The following is an entry in ClinVar:

NM_006343.3(MERTK):c.2377del (p.Glu792_Ile793insTer)

Gene: MERTK (MER proto-oncogene, tyrosine kinase; plus strand). Cytogenetic location: 2q13.
Variant type: Deletion.
Coding change: c.2377del on transcript NM_006343.3 (MANE Select); coding-DNA position 2377, one base deleted (A; older notation c.2377delA).
Protein change: p.Glu792_Ile793insTer.
Molecular consequence: nonsense.
Genome position (GRCh38, 1-based): chr2:112,022,285, A deleted; the last of 3 consecutive A bases (chr2:112,022,283-112,022,285); deleting any one gives the same sequence. VCF-style (leftmost placement, unchanged base first): chr2-112022282-GA-G. GRCh37 (hg19) VCF-style: chr2-112779859-GA-G.
Identifiers: ClinVar variation 2203136 (VCV002203136.5), dbSNP rs1400057476, ClinGen allele CA535188805.
Genomic context (GRCh38, chr2:112,022,282, plus strand): 5'-GGCTTGCATCCTAACTTGTTGTTGCTTTGTTCCCAGTGGGCATTTGGCGTGACCATGTGG[GA>G]AATAGCTACGCGGGGAATGACTCCCTATCCTGGGGTCCAGAACCATGAGATGTATGACTA-3'

ClinVar aggregate classification (germline): Pathogenic. Review status: criteria provided, multiple submitters, no conflicts (2 of 4 stars). 2 submissions from 2 submitters: Pathogenic (2). Last evaluated 2024-05-08.

Conditions:
Retinitis pigmentosa 38 (RP38). Also called: ROD-CONE DYSTROPHY, CHILDHOOD-ONSET. Identifiers: Orphanet 791, MedGen C3151228, MONDO:0013469, OMIM 613862.

Submissions (2):

Fulgent Genetics
Classification: Pathogenic for Retinitis pigmentosa 38. Last evaluated: 2024-05-08. Review status: criteria provided, single submitter. Criteria: ACMG Guidelines, 2015. Collection method: clinical testing. Allele origin: germline.

Labcorp Genetics (formerly Invitae), Labcorp
Classification: Pathogenic. Last evaluated: 2022-04-09. Review status: criteria provided, single submitter. Criteria: Invitae Variant Classification Sherloc (09022015). Collection method: clinical testing. Allele origin: germline.
Comment: For these reasons, this variant has been classified as Pathogenic. This premature translational stop signal has been observed in individual(s) with cone rod dystrophy (PMID: 25412400). This variant is present in population databases (no rsID available, gnomAD 0.0009%). This sequence change creates a premature translational stop signal (p.Ile793*) in the MERTK gene. It is expected to result in an absent or disrupted protein product. Loss-of-function variants in MERTK are known to be pathogenic (PMID: 24265693, 29659094).

Literature cited by the submitters: PubMed 25412400 (cited by Labcorp Genetics (formerly Invitae), Labcorp); PubMed 24265693 (cited by Labcorp Genetics (formerly Invitae), Labcorp); PubMed 29659094 (cited by Labcorp Genetics (formerly Invitae), Labcorp).